The following is an entry in ClinVar:

NM_001370259.2(MEN1):c.1328C>A (p.Ser443Tyr)

Gene: MEN1 (menin 1; minus strand). Cytogenetic location: 11q13.1.
Variant type: single nucleotide variant.
Coding change: c.1328C>A on transcript NM_001370259.2 (MANE Select); coding-DNA position 1328, C replaced by A.
Protein change: p.Ser443Tyr; replaces serine 443 with tyrosine.
Molecular consequence: missense variant.
Genome position (GRCh38, 1-based): chr11:64,805,056, G>T on the plus strand (C>A on the coding strand, the complement: MEN1 is on the minus strand). VCF-style: chr11-64805056-G-T. GRCh37 (hg19) VCF-style: chr11-64572528-G-T.
Other names: c.1343C>A, p.Ser448Tyr (NM_000244.4, NM_130800.3, NM_130801.3 and 3 more transcripts); c.1454C>A, p.Ser485Tyr (NM_001370251.2); c.1328C>A, p.Ser443Tyr (NM_001370260.2, NM_001370261.2, NM_130799.3); c.1223C>A, p.Ser408Tyr (NM_001370262.2, NM_001370263.2); short protein forms S448Y, S443Y, S408Y, S485Y.
Identifiers: ClinVar variation 403825 (VCV000403825.9), dbSNP rs1060499981, ClinGen allele CA16613613.
Genomic context (GRCh38, chr11:64,805,056, plus strand): 5'-ACCTGTAGTGCCCAGACCTCTGTGCAGCTGTCCCTCACCTGTCCCTCAAAACGGCCTAGG[G>T]ACTGCACAAGAAAGGTGGCCCAGCCCACATGCAGCACAGGCGTGGGACTGCCCTCCTCCC-3'
Protein context (NP_001357188.2, residues 433-453): HVGWATFLVQ[Ser443Tyr]LGRFEGQVRQ

ClinVar aggregate classification (germline): Pathogenic. Review status: criteria provided, multiple submitters, no conflicts (2 of 4 stars). 2 submissions from 2 submitters: Pathogenic (2). Last evaluated 2026-01-18.

Conditions:
MEN1-related disorder. Also called: MEN1-related condition.
Multiple endocrine neoplasia, type 1 (MEN1). Also called: MEN I; WERMER SYNDROME; Endocrine adenomatosis multiple; MEN 1; MEA I. Identifiers: Orphanet 652, MedGen C0025267, MeSH D018761, MONDO:0007540, OMIM 131100.

Submissions (2):

Labcorp Genetics (formerly Invitae), Labcorp
Classification: Pathogenic for Multiple endocrine neoplasia, type 1. Last evaluated: 2026-01-18. Review status: criteria provided, single submitter. Criteria: Invitae Variant Classification Sherloc (09022015). Collection method: clinical testing. Allele origin: germline.
Comment: This sequence change replaces serine, which is neutral and polar, with tyrosine, which is neutral and polar, at codon 443 of the MEN1 protein (p.Ser443Tyr). This variant is not present in population databases (gnomAD no frequency). This missense change has been observed in individuals with multiple endocrine neoplasia type 1 (MEN1) (PMID: 17853334, 21069576, 25309600). ClinVar contains an entry for this variant (Variation ID: 403825). Invitae Evidence Modeling of protein sequence and biophysical properties (such as structural, functional, and spatial information, amino acid conservation, physicochemical variation, residue mobility, and thermodynamic stability) indicates that this missense variant is expected to disrupt MEN1 protein function with a positive predictive value of 95%. Experimental studies have shown that this missense change affects MEN1 function (PMID: 22090276). For these reasons, this variant has been classified as Pathogenic.

Blueprint Genetics
Classification: Pathogenic for MEN1-related disorders. Last evaluated: 2017-12-18. Review status: criteria provided, single submitter. Criteria: ACMG Guidelines, 2015. Collection method: clinical testing. Allele origin: germline. Affected: yes. Observed: 1 variant allele.

Literature cited by the submitters: PubMed 17853334 (cited by Labcorp Genetics (formerly Invitae), Labcorp); PubMed 21069576 (cited by Labcorp Genetics (formerly Invitae), Labcorp); PubMed 25309600 (cited by Labcorp Genetics (formerly Invitae), Labcorp); PubMed 22090276 (cited by Labcorp Genetics (formerly Invitae), Labcorp).